The following is an entry in ClinVar:

NM_000400.4(ERCC2):c.253_254delinsCGAAAGTTGAGCTTCGAAAGT (p.Glu85fs)

Gene: ERCC2 (ERCC excision repair 2, TFIIH core complex helicase subunit; minus strand). Cytogenetic location: 19q13.32.
Variant type: Indel.
Coding change: c.253_254delinsCGAAAGTTGAGCTTCGAAAGT on transcript NM_000400.4 (MANE Select); coding-DNA positions 253 to 254, GA replaced by CGAAAGTTGAGCTTCGAAAGT.
Protein change: p.Glu85fs; shifts the reading frame from glutamic acid 85.
Molecular consequence: frameshift variant. On other transcripts: non-coding transcript variant (3).
Genome position (GRCh38, 1-based): chr19:45,368,736-45,368,737, TC replaced by ACTTTCGAAGCTCAACTTTCG on the plus strand (GA replaced by CGAAAGTTGAGCTTCGAAAGT on the coding strand, the reverse complement: ERCC2 is on the minus strand). VCF-style: chr19-45368736-TC-ACTTTCGAAGCTCAACTTTCG. GRCh37 (hg19) VCF-style: chr19-45871994-TC-ACTTTCGAAGCTCAACTTTCG.
Other names: c.181_182delinsCGAAAGTTGAGCTTCGAAAGT, p.Glu61fs (NM_001130867.2, NM_001440355.1); c.175_176delinsCGAAAGTTGAGCTTCGAAAGT, p.Glu59fs (NM_001440356.1); c.130_131delinsCGAAAGTTGAGCTTCGAAAGT, p.Glu44fs (NM_001440357.1); short protein forms E85fs, E44fs, E61fs, E59fs.
Identifiers: ClinVar variation 5004532 (VCV005004532.1).

ClinVar aggregate classification (germline): Pathogenic (1 of 4 stars; one submission).

Conditions:
ERCC2-related disorder. Also called: ERCC2-related conditions; ERCC2-related condition; ERCC2-related disorders. Identifiers: MedGen CN239291.

Submission:

Myriad Genetics, Inc.
Classification: Pathogenic for ERCC2-related disorder. Last evaluated: 2026-03-12. Review status: criteria provided, single submitter. Criteria: Myriad Autosomal Dominant, Autosomal Recessive and X-Linked Classification Criteria (2023). Collection method: clinical testing. Allele origin: unknown.
Comment: NM_000400.3(ERCC2):c.253_254del2ins21(E85Rfs*17) is a frameshift variant classified as pathogenic in the context of ERCC2-related disorders. E85Rfs*17 has not been observed in cases with relevant disease. Relevant functional assessments of this variant are not available in the literature. E85Rfs*17 has not been observed in referenced population frequency databases. In summary, NM_000400.3(ERCC2):c.253_254del2ins21(E85Rfs*17) is a frameshift variant in a gene where loss of function is a known mechanism of disease and is predicted to disrupt protein function. Please note: this variant was assessed in the context of healthy population screening.